The following is an entry in ClinVar:

NM_002730.4(PRKACA):c.753C>T (p.Ile251=)

Gene: PRKACA (protein kinase cAMP-activated catalytic subunit alpha; minus strand). Cytogenetic location: 19p13.12.
Variant type: single nucleotide variant.
Coding change: c.753C>T on transcript NM_002730.4 (MANE Select); coding-DNA position 753, C replaced by T.
Protein change: p.Ile251=; no amino-acid change (isoleucine 251 retained).
Molecular consequence: synonymous variant.
Genome position (GRCh38, 1-based): chr19:14,097,373, G>A on the plus strand (C>T on the coding strand, the complement: PRKACA is on the minus strand). VCF-style: chr19-14097373-G-A. GRCh37 (hg19) VCF-style: chr19-14208185-G-A.
Other names: c.981C>T, p.Ile327= (NM_001304349.2); c.729C>T, p.Ile243= (NM_207518.3).
Identifiers: ClinVar variation 3040944 (VCV003040944.2), dbSNP rs770568845, ClinGen allele CA9249219.

ClinVar aggregate classification (germline): Likely benign (0 of 4 stars; one submission).

Conditions:
PRKACA-related disorder. Also called: PRKACA-related condition.

Allele frequency attached by ClinVar (database versions not stated): ExAC 0.00001; gnomAD 0.00001.
gnomAD v4.1: 11 of 1,613,966 alleles (0.00068%); highest among the groups gnomAD compares: South Asian, 0.0033%; no homozygotes.

Submission:

PreventionGenetics, part of Exact Sciences
Classification: Likely benign for PRKACA-related condition. Last evaluated: 2019-09-09. Review status: no assertion criteria provided. Collection method: clinical testing. Allele origin: germline.
Comment: This variant is classified as likely benign based on ACMG/AMP sequence variant interpretation guidelines (Richards et al. 2015 PMID: 25741868, with internal and published modifications).